The following is an entry in ClinVar:

ClinVar aggregate classification (germline): Uncertain significance (1 of 4 stars; one submission).

Allele frequency attached by ClinVar (database versions not stated): gnomAD exomes below 0.00001.
gnomAD v4.1: 2 of 1,614,218 alleles (0.00012%); highest among the groups gnomAD compares: Admixed American, 0.0033%; no homozygotes.

Submission:

Labcorp Genetics (formerly Invitae), Labcorp
Classification: Uncertain significance. Last evaluated: 2023-10-25. Review status: criteria provided, single submitter. Criteria: Invitae Variant Classification Sherloc (09022015). Collection method: clinical testing. Allele origin: germline.
Comment: This sequence change replaces threonine, which is neutral and polar, with isoleucine, which is neutral and non-polar, at codon 1361 of the DSCAML1 protein (p.Thr1361Ile). This variant is present in population databases (no rsID available, gnomAD 0.006%). This variant has not been reported in the literature in individuals affected with DSCAML1-related conditions. An algorithm developed to predict the effect of missense changes on protein structure and function (PolyPhen-2) suggests that this variant is likely to be disruptive. In summary, the available evidence is currently insufficient to determine the role of this variant in disease. Therefore, it has been classified as a Variant of Uncertain Significance.

NM_020693.4(DSCAML1):c.3902C>T (p.Thr1301Ile)

Gene: DSCAML1 (DS cell adhesion molecule like 1; minus strand). Cytogenetic location: 11q23.3.
Variant type: single nucleotide variant.
Coding change: c.3902C>T on transcript NM_020693.4 (MANE Select); coding-DNA position 3902, C replaced by T.
Protein change: p.Thr1301Ile; replaces threonine 1301 with isoleucine.
Molecular consequence: missense variant.
Genome position (GRCh38, 1-based): chr11:117,439,897, G>A on the plus strand (C>T on the coding strand, the complement: DSCAML1 is on the minus strand). VCF-style: chr11-117439897-G-A. GRCh37 (hg19) VCF-style: chr11-117310613-G-A.
Other names: short protein forms T1301I.
Identifiers: ClinVar variation 2713594 (VCV002713594.3), dbSNP rs1196493605, ClinGen allele CA382761697.